The following is an entry in ClinVar:

ClinVar aggregate classification (germline): Uncertain significance (1 of 4 stars; one submission).

Conditions:
Hypophosphatasia. Also called: Phosphoethanol-aminuria. Identifiers: Orphanet 436, MedGen C0020630, MeSH D007014, MONDO:0018570.

Submission:

Genomenon, Inc
Classification: Uncertain significance for Hypophosphatasia. Last evaluated: 2025-08-29. Review status: criteria provided, single submitter. Criteria: Genomenon Sequence Variant Interpretation Standards. Collection method: curation. Allele origin: germline. Affected: yes.
Comment: ALPL c.182-3C>A is a splice variant located in the acceptor splice region of intron 3. This variant has been observed in at least one proband affected with hypophosphatasia (PMID:32973344). It is absent or not present at a significant frequency in gnomAD. In silico models agree that this variant is possibly or probably damaging. In conclusion, we classify ALPL c.182-3C>A as a variant of unknown significance.

Literature cited by the submitters: PubMed 32973344.

NM_000478.6(ALPL):c.182-3C>A

Gene: ALPL (alkaline phosphatase, biomineralization associated; plus strand). Cytogenetic location: 1p36.12.
Variant type: single nucleotide variant.
Coding change: c.182-3C>A on transcript NM_000478.6 (MANE Select); 3 bases into the intron before coding-DNA position 182, C replaced by A.
Molecular consequence: intron variant.
Genome position (GRCh38, 1-based): chr1:21,561,094, C>A. VCF-style: chr1-21561094-C-A. GRCh37 (hg19) VCF-style: chr1-21887587-C-A.
Other names: c.182-3C>A (NM_001369805.2, NM_001369804.2, NM_001369803.2); c.17-3C>A (NM_001127501.4); c.66+349C>A (NM_001177520.3).
Identifiers: ClinVar variation 4086878 (VCV004086878.1).